The following is an entry in ClinVar:

ClinVar aggregate classification (germline): Pathogenic/Likely pathogenic. Review status: criteria provided, multiple submitters, no conflicts (2 of 4 stars). 2 submissions from 2 submitters: Pathogenic (1); Likely pathogenic (1). Last evaluated 2023-08-17.

Conditions:
Fanconi anemia (FA). Also called: Fanconi's anemia. Identifiers: Orphanet 84, MedGen C0015625, MeSH D005199, MONDO:0019391.
FANCL-related disorders.

Submissions (2):

Labcorp Genetics (formerly Invitae), Labcorp
Classification: Pathogenic for Fanconi anemia. Last evaluated: 2023-08-17. Review status: criteria provided, single submitter. Criteria: Invitae Variant Classification Sherloc (09022015). Collection method: clinical testing. Allele origin: germline.
Comment: This sequence change affects the initiator methionine of the FANCL mRNA. The next in-frame methionine is located at codon 74. This variant is not present in population databases (gnomAD no frequency). Disruption of the initiator codon has been observed in individuals with clinical features of FANCL-related conditions (PMID: 33727708; Invitae). ClinVar contains an entry for this variant (Variation ID: 862463). This variant disrupts the E2-like fold (ELF) domain of the FANCL protein, which is required for its interaction with the FANCB-FAAP100 complex as well as for non-covalent binding to ubiquitin (PMID: 26149689, 27986371). While functional studies have not been performed to directly test the effect of this variant on FANCL protein function, this suggests that disruption of this region of the protein is causative of disease. For these reasons, this variant has been classified as Pathogenic.

Blueprint Genetics
Classification: Likely pathogenic for FANCL-related disorders. Last evaluated: 2023-04-17. Review status: criteria provided, single submitter. Criteria: ACMG Guidelines, 2015. Collection method: clinical testing. Allele origin: germline. Affected: yes. Observed: 1 variant allele.

Literature cited by the submitters: PubMed 33727708 (cited by Labcorp Genetics (formerly Invitae), Labcorp); PubMed 26149689 (cited by Labcorp Genetics (formerly Invitae), Labcorp); PubMed 27986371 (cited by Labcorp Genetics (formerly Invitae), Labcorp).

NM_018062.4(FANCL):c.2T>G (p.Met1Arg)

Gene: FANCL (FA complementation group L; minus strand). Cytogenetic location: 2p16.1.
Variant type: single nucleotide variant.
Coding change: c.2T>G on transcript NM_018062.4 (MANE Select); coding-DNA position 2, T replaced by G.
Protein change: p.Met1Arg; changes the start codon (methionine 1).
Molecular consequence: missense variant, initiator codon variant.
Genome position (GRCh38, 1-based): chr2:58,241,312, A>C on the plus strand (T>G on the coding strand, the complement: FANCL is on the minus strand). VCF-style: chr2-58241312-A-C. GRCh37 (hg19) VCF-style: chr2-58468447-A-C.
Other names: c.2T>G, p.Met1Arg (NM_001114636.2, NM_001374615.1, NM_001410792.1); short protein forms M1R.
Identifiers: ClinVar variation 862463 (VCV000862463.9), dbSNP rs761291501, ClinGen allele CA347035225.